The following is an entry in ClinVar:

NM_001326411.2(PISD):c.221G>A (p.Gly74Asp)

Gene: PISD (phosphatidylserine decarboxylase; minus strand). Cytogenetic location: 22q12.2.
Variant type: single nucleotide variant.
Coding change: c.221G>A on transcript NM_001326411.2 (MANE Select); coding-DNA position 221, G replaced by A.
Protein change: p.Gly74Asp; replaces glycine 74 with aspartic acid.
Molecular consequence: missense variant. On other transcripts: 5 prime UTR variant (6).
Genome position (GRCh38, 1-based): chr22:31,648,201, C>T on the plus strand (G>A on the coding strand, the complement: PISD is on the minus strand). VCF-style: chr22-31648201-C-T. GRCh37 (hg19) VCF-style: chr22-32044187-C-T.
Other names: c.221G>A, p.Gly74Asp (NM_001326412.1, NM_001326421.1); c.-9G>A (NM_001326413.2, NM_001326414.2); c.-302G>A (NM_001326415.2, NM_001326417.2, NM_001326419.2); c.-411G>A (NM_001326416.2); c.41G>A, p.Gly14Asp (NM_001326418.2, NM_001326420.2); short protein forms G14D, G74D.
Identifiers: ClinVar variation 2653073 (VCV002653073.24), dbSNP rs1569491330, ClinGen allele CA411295821.

ClinVar aggregate classification (germline): Uncertain significance (1 of 4 stars; one submission).

Allele frequency attached by ClinVar (database versions not stated): gnomAD exomes below 0.00001; TOPMed 0.00001.
gnomAD v4.1: 5 of 1,612,434 alleles (0.00031%); highest among the groups gnomAD compares: Non-Finnish European, 0.00042%; no homozygotes.

Submission:

CeGaT Center for Human Genetics Tuebingen
Classification: Uncertain significance. Last evaluated: 2025-06-01. Review status: criteria provided, single submitter. Criteria: CeGaT Center For Human Genetics Tuebingen Variant Classification Criteria Version 2. Collection method: clinical testing. Allele origin: germline. Affected: yes. Observed: 1 variant allele.
Comment: PISD: PM2, BP4